The following is an entry in ClinVar:

NM_000127.3(EXT1):c.1239G>T (p.Glu413Asp)

Gene: EXT1 (exostosin glycosyltransferase 1; minus strand). Cytogenetic location: 8q24.11.
Variant type: single nucleotide variant.
Coding change: c.1239G>T on transcript NM_000127.3 (MANE Select); coding-DNA position 1239, G replaced by T.
Protein change: p.Glu413Asp; replaces glutamic acid 413 with aspartic acid.
Molecular consequence: missense variant.
Genome position (GRCh38, 1-based): chr8:117,830,275, C>A on the plus strand (G>T on the coding strand, the complement: EXT1 is on the minus strand). VCF-style: chr8-117830275-C-A. GRCh37 (hg19) VCF-style: chr8-118842514-C-A.
Other names: short protein forms E413D.
Identifiers: ClinVar variation 361657 (VCV000361657.39), dbSNP rs756701753, ClinGen allele CA4854201.

ClinVar aggregate classification (germline): Uncertain significance. Review status: criteria provided, multiple submitters, no conflicts (2 of 4 stars). 6 submissions from 6 submitters: Uncertain significance (6). Last evaluated 2025-07-07.

Conditions:
Multiple congenital exostosis (EXT). Also called: Multiple osteochondromas; Multiple exostoses; MULTIPLE CARTILAGINOUS EXOSTOSES; Hereditary multiple exostoses; Hereditary multiple exostosis; Hereditary multiple osteochondromas. Identifiers: Orphanet 321, MedGen C0015306, MONDO:0005508, HP:0002762.
Inborn genetic diseases. Identifiers: MedGen C0950123, MeSH D030342.
Chondrosarcoma. Also called: Chondrosarcoma, somatic. Identifiers: Orphanet 55880, MedGen C0008479, MONDO:0008977, OMIM 215300, HP:0006765.

Allele frequency attached by ClinVar (database versions not stated): gnomAD exomes 0.00002; gnomAD 0.00003; TOPMed 0.00003.
gnomAD v4.1: 59 of 1,613,926 alleles (0.0037%); highest among the groups gnomAD compares: Non-Finnish European, 0.0049%; no homozygotes.

Submissions (6):

Women's Health and Genetics/Laboratory Corporation of America, LabCorp
Classification: Uncertain significance. Last evaluated: 2025-07-07. Review status: criteria provided, single submitter. Criteria: LabCorp Variant Classification Summary - May 2015. Collection method: clinical testing. Allele origin: germline.
Comment: Variant summary: EXT1 c.1239G>T (p.Glu413Asp) results in a conservative amino acid change in the encoded protein sequence. Algorithms developed to predict the effect of missense changes on protein structure and function are either unavailable or do not agree on the potential impact of this missense change. The variant allele was found at a frequency of 2e-05 in 251214 control chromosomes. The available data on variant occurrences in the general population are insufficient to allow any conclusion about variant significance. To our knowledge, no occurrence of c.1239G>T in individuals affected with Multiple Congenital Exostosis and no experimental evidence demonstrating its impact on protein function have been reported. ClinVar contains an entry for this variant (Variation ID: 361657). Based on the evidence outlined above, the variant was classified as uncertain significance.

Ambry Genetics
Classification: Uncertain significance for Inborn genetic diseases. Last evaluated: 2024-05-07. Review status: criteria provided, single submitter. Criteria: Ambry Variant Classification Scheme 2023. Collection method: clinical testing. Allele origin: germline.

Labcorp Genetics (formerly Invitae), Labcorp
Classification: Uncertain significance for Multiple congenital exostosis. Last evaluated: 2024-04-15. Review status: criteria provided, single submitter. Criteria: Invitae Variant Classification Sherloc (09022015). Collection method: clinical testing. Allele origin: germline.
Comment: This sequence change replaces glutamic acid, which is acidic and polar, with aspartic acid, which is acidic and polar, at codon 413 of the EXT1 protein (p.Glu413Asp). This variant is present in population databases (rs756701753, gnomAD 0.004%). This variant has not been reported in the literature in individuals affected with EXT1-related conditions. ClinVar contains an entry for this variant (Variation ID: 361657). Advanced modeling of protein sequence and biophysical properties (such as structural, functional, and spatial information, amino acid conservation, physicochemical variation, residue mobility, and thermodynamic stability) performed at Invitae indicates that this missense variant is not expected to disrupt EXT1 protein function with a negative predictive value of 80%. In summary, the available evidence is currently insufficient to determine the role of this variant in disease. Therefore, it has been classified as a Variant of Uncertain Significance.

Baylor Genetics
Classification: Uncertain significance for Chondrosarcoma. Last evaluated: 2023-08-28. Review status: criteria provided, single submitter. Criteria: ACMG Guidelines, 2015. Collection method: clinical testing. Allele origin: unknown.

CeGaT Center for Human Genetics Tuebingen
Classification: Uncertain significance. Last evaluated: 2022-11-01. Review status: criteria provided, single submitter. Criteria: CeGaT Center For Human Genetics Tuebingen Variant Classification Criteria Version 2. Collection method: clinical testing. Allele origin: germline. Affected: yes. Observed: 1 variant allele.
Comment: EXT1: PP3

Illumina Laboratory Services, Illumina
Classification: Uncertain significance for Exostoses, multiple, type 1. Last evaluated: 2018-01-13. Review status: criteria provided, single submitter. Criteria: ICSL Variant Classification Criteria 13 December 2019. Collection method: clinical testing. Allele origin: germline.